The following is an entry in ClinVar:

ClinVar aggregate classification (germline): Uncertain significance. Review status: criteria provided, multiple submitters, no conflicts (2 of 4 stars). 2 submissions from 2 submitters: Uncertain significance (2). Last evaluated 2024-11-08.

Conditions:
Early-infantile DEE. Also called: Ohtahara syndrome; Early infantile epileptic encephalopathy with suppression bursts; Early infantile epileptic encephalopathy. Identifiers: Orphanet 1934, MedGen C0393706, MONDO:0800491.
Inborn genetic diseases. Identifiers: MedGen C0950123, MeSH D030342.

Allele frequency attached by ClinVar (database versions not stated): gnomAD exomes below 0.00001; TOPMed 0.00001.
gnomAD v4.1: 4 of 1,612,558 alleles (0.00025%); highest among the groups gnomAD compares: Non-Finnish European, 0.00025%; no homozygotes.

Submissions (2):

Ambry Genetics
Classification: Uncertain significance for Inborn genetic diseases. Last evaluated: 2024-11-08. Review status: criteria provided, single submitter. Criteria: Ambry Variant Classification Scheme 2023. Collection method: clinical testing. Allele origin: germline.

Labcorp Genetics (formerly Invitae), Labcorp
Classification: Uncertain significance for Early-infantile DEE. Last evaluated: 2019-02-19. Review status: criteria provided, single submitter. Criteria: Invitae Variant Classification Sherloc (09022015). Collection method: clinical testing. Allele origin: germline.
Comment: This sequence change replaces arginine with tryptophan at codon 491 of the KCNQ2 protein (p.Arg491Trp). The arginine residue is moderately conserved and there is a moderate physicochemical difference between arginine and tryptophan. This variant is not present in population databases (ExAC no frequency). This variant has not been reported in the literature in individuals with KCNQ2-related conditions. Algorithms developed to predict the effect of missense changes on protein structure and function are either unavailable or do not agree on the potential impact of this missense change (SIFT: "Deleterious"; PolyPhen-2: "Probably Damaging"; Align-GVGD: "Class C0"). In summary, the available evidence is currently insufficient to determine the role of this variant in disease. Therefore, it has been classified as a Variant of Uncertain Significance.

NM_172107.4(KCNQ2):c.1471C>T (p.Arg491Trp)

Gene: KCNQ2 (potassium voltage-gated channel subfamily Q member 2; minus strand). Cytogenetic location: 20q13.33.
Variant type: single nucleotide variant.
Coding change: c.1471C>T on transcript NM_172107.4 (MANE Select); coding-DNA position 1471, C replaced by T.
Protein change: p.Arg491Trp; replaces arginine 491 with tryptophan.
Molecular consequence: missense variant.
Genome position (GRCh38, 1-based): chr20:63,414,957, G>A on the plus strand (C>T on the coding strand, the complement: KCNQ2 is on the minus strand). VCF-style: chr20-63414957-G-A. GRCh37 (hg19) VCF-style: chr20-62046310-G-A.
Other names: c.1387C>T, p.Arg463Trp (NM_004518.6); c.1417C>T, p.Arg473Trp (NM_172106.3); c.1381C>T, p.Arg461Trp (NM_172108.5); short protein forms R473W, R461W, R463W, R491W.
Identifiers: ClinVar variation 847091 (VCV000847091.11), dbSNP rs1251584590, ClinGen allele CA409646319.